The following is an entry in ClinVar:

NM_182920.2(ADAMTS9):c.474C>T (p.Thr158=)

Genes: ADAMTS9 (ADAM metallopeptidase with thrombospondin type 1 motif 9; minus strand), ADAMTS9-AS2 (ADAMTS9 antisense RNA 2; plus strand). Cytogenetic location: 3p14.1.
Variant type: single nucleotide variant.
Coding change: c.474C>T on transcript NM_182920.2 (MANE Select); coding-DNA position 474, C replaced by T.
Protein change: p.Thr158=; no amino-acid change (threonine 158 retained).
Molecular consequence: synonymous variant.
Genome position (GRCh38, 1-based): chr3:64,686,610, G>A on the plus strand (C>T on the coding strand, the complement: ADAMTS9 is on the minus strand). VCF-style: chr3-64686610-G-A. GRCh37 (hg19) VCF-style: chr3-64672286-G-A.
Other names: c.474C>T, p.Thr158= (NM_001318781.2).
Identifiers: ClinVar variation 730289 (VCV000730289.8), dbSNP rs34774892, ClinGen allele CA2481870.

ClinVar aggregate classification (germline): Benign. Review status: criteria provided, single submitter (1 of 4 stars). 2 submissions from 2 submitters: Benign (1). 1 of the submissions does not count toward it. Last evaluated 2025-10-12.

Conditions:
ADAMTS9-related disorder. Also called: ADAMTS9-related condition.

Allele frequency attached by ClinVar (database versions not stated): gnomAD exomes 0.00023 and 0.00056; ExAC 0.00070; gnomAD 0.00161 and 0.00166; TOPMed 0.00167; ESP Exome Variant Server 0.00223; 1000 Genomes Project 0.00240; 1000 Genomes Project 30x 0.00250.
gnomAD v4.1: 597 of 1,613,656 alleles (0.037%); highest among the groups gnomAD compares: African/African-American, 0.52%; 2 homozygotes.

Submissions (2):

Labcorp Genetics (formerly Invitae), Labcorp
Classification: Benign. Last evaluated: 2025-10-12. Review status: criteria provided, single submitter. Criteria: Invitae Variant Classification Sherloc (09022015). Collection method: clinical testing. Allele origin: germline.

PreventionGenetics, part of Exact Sciences
Classification: Likely benign for ADAMTS9-related condition. Last evaluated: 2019-08-28. Review status: no assertion criteria provided. Collection method: clinical testing. Allele origin: germline. Not counted in ClinVar's aggregate classification.
Comment: This variant is classified as likely benign based on ACMG/AMP sequence variant interpretation guidelines (Richards et al. 2015 PMID: 25741868, with internal and published modifications).